The following is an entry in ClinVar:

ClinVar aggregate classification (germline): Uncertain significance (1 of 4 stars; one submission).

Submission:

Labcorp Genetics (formerly Invitae), Labcorp
Classification: Uncertain significance. Last evaluated: 2024-02-06. Review status: criteria provided, single submitter. Criteria: Invitae Variant Classification Sherloc (09022015). Collection method: clinical testing. Allele origin: germline.
Comment: This sequence change replaces aspartic acid, which is acidic and polar, with glycine, which is neutral and non-polar, at codon 499 of the COL4A1 protein (p.Asp499Gly). This variant is not present in population databases (gnomAD no frequency). This variant has not been reported in the literature in individuals affected with COL4A1-related conditions. Advanced modeling of protein sequence and biophysical properties (such as structural, functional, and spatial information, amino acid conservation, physicochemical variation, residue mobility, and thermodynamic stability) performed at Invitae indicates that this missense variant is not expected to disrupt COL4A1 protein function with a negative predictive value of 95%. In summary, the available evidence is currently insufficient to determine the role of this variant in disease. Therefore, it has been classified as a Variant of Uncertain Significance.

NM_001845.6(COL4A1):c.1496A>G (p.Asp499Gly)

Gene: COL4A1 (collagen type IV alpha 1 chain; minus strand). Cytogenetic location: 13q34.
Variant type: single nucleotide variant.
Coding change: c.1496A>G on transcript NM_001845.6 (MANE Select); coding-DNA position 1496, A replaced by G.
Protein change: p.Asp499Gly; replaces aspartic acid 499 with glycine.
Molecular consequence: missense variant.
Genome position (GRCh38, 1-based): chr13:110,192,254, T>C on the plus strand (A>G on the coding strand, the complement: COL4A1 is on the minus strand). VCF-style: chr13-110192254-T-C. GRCh37 (hg19) VCF-style: chr13-110844601-T-C.
Other names: c.1496A>G, p.Asp499Gly (NM_001303110.2); short protein forms D499G.
Identifiers: ClinVar variation 3687440 (VCV003687440.2).
Genomic context (GRCh38, chr13:110,192,254, plus strand): 5'-ACTCAGACAGGTTTACTTACTGGCACTCCTGCAACACCATCTCTGCCAGGCAAACCTCTG[T>C]CGCCCTTGGCCCCTGGCTGCCCTGGGAAACCTTTCGTGAGAGAGAGGGAAAAAGACAGCA-3'
Protein context (NP_001836.3, residues 489-509): GFPGQPGAKG[Asp499Gly]RGLPGRDGVA